The following is an entry in ClinVar:

ClinVar aggregate classification (germline): Uncertain significance. Review status: criteria provided, multiple submitters, no conflicts (2 of 4 stars). 5 submissions from 5 submitters: Uncertain significance (4). 1 of the submissions does not count toward it. Last evaluated 2025-05-28.

Conditions:
Inborn genetic diseases. Identifiers: MedGen C0950123, MeSH D030342.
Neuronal ceroid lipofuscinosis 2. Also called: TPP1-Related Neuronal Ceroid-Lipofuscinosis; JANSKY-BIELSCHOWSKY DISEASE NEURONAL CEROID LIPOFUSCINOSIS, LATE INFANTILE. Identifiers: Orphanet 168491, Orphanet 228349, Orphanet 79264, MedGen C1876161, MONDO:0008769, OMIM 204500.

Allele frequency attached by ClinVar (database versions not stated): gnomAD 0.00001 and 0.00002; ExAC 0.00004; gnomAD exomes 0.00004; TOPMed 0.00004; 1000 Genomes Project 30x 0.00016; 1000 Genomes Project 0.00020.

Submissions (5):

GeneDx
Classification: Uncertain significance. Last evaluated: 2025-05-28. Review status: criteria provided, single submitter. Criteria: GeneDx Variant Classification Process June 2021. Collection method: clinical testing. Allele origin: germline. Affected: yes.
Comment: Not observed at significant frequency in large population cohorts (gnomAD); In silico analysis suggests that this missense variant does not alter protein structure/function; Has not been previously published as pathogenic or benign to our knowledge

Ambry Genetics
Classification: Uncertain significance for Inborn genetic diseases. Last evaluated: 2024-01-03. Review status: criteria provided, single submitter. Criteria: Ambry Variant Classification Scheme 2023. Collection method: clinical testing. Allele origin: germline.

Labcorp Genetics (formerly Invitae), Labcorp
Classification: Uncertain significance. Last evaluated: 2020-08-26. Review status: criteria provided, single submitter. Criteria: Invitae Variant Classification Sherloc (09022015). Collection method: clinical testing. Allele origin: germline.
Comment: This sequence change replaces leucine with phenylalanine at codon 398 of the TPP1 protein (p.Leu398Phe). The leucine residue is moderately conserved and there is a small physicochemical difference between leucine and phenylalanine. This variant is present in population databases (rs149319579, ExAC 0.008%). This variant has not been reported in the literature in individuals with TPP1-related conditions. Algorithms developed to predict the effect of missense changes on protein structure and function (SIFT, PolyPhen-2, Align-GVGD) all suggest that this variant is likely to be tolerated, but these predictions have not been confirmed by published functional studies and their clinical significance is uncertain. In summary, the available evidence is currently insufficient to determine the role of this variant in disease. Therefore, it has been classified as a Variant of Uncertain Significance.

Illumina Laboratory Services, Illumina
Classification: Uncertain significance for Neuronal ceroid lipofuscinosis 2. Last evaluated: 2018-01-13. Review status: criteria provided, single submitter. Criteria: ICSL Variant Classification Criteria 13 December 2019. Collection method: clinical testing. Allele origin: germline.

Natera, Inc.
Classification: Uncertain significance for Neuronal ceroid lipofuscinosis 2. Last evaluated: 2020-10-06. Review status: no assertion criteria provided. Collection method: clinical testing. Allele origin: germline. Not counted in ClinVar's aggregate classification.

NM_000391.4(TPP1):c.1192C>T (p.Leu398Phe)

Gene: TPP1 (tripeptidyl peptidase 1; minus strand). Cytogenetic location: 11p15.4.
Variant type: single nucleotide variant.
Coding change: c.1192C>T on transcript NM_000391.4 (MANE Select); coding-DNA position 1192, C replaced by T.
Protein change: p.Leu398Phe; replaces leucine 398 with phenylalanine.
Molecular consequence: missense variant.
Genome position (GRCh38, 1-based): chr11:6,615,516, G>A on the plus strand (C>T on the coding strand, the complement: TPP1 is on the minus strand). VCF-style: chr11-6615516-G-A. GRCh37 (hg19) VCF-style: chr11-6636747-G-A.
Other names: short protein forms L398F.
Identifiers: ClinVar variation 408908 (VCV000408908.19), dbSNP rs149319579, ClinGen allele CA5858705.